The following is an entry in ClinVar:

NM_182961.4(SYNE1):c.25192GAG[1] (p.Glu8399del)

Gene: SYNE1 (spectrin repeat containing nuclear envelope protein 1; minus strand). Cytogenetic location: 6q25.2.
Variant type: Microsatellite.
Coding change: c.25192GAG[1] on transcript NM_182961.4 (MANE Select); one copy of the 3-base unit GAG starting at c.25192; the reference has two copies in a row; one copy, 3 bases deleted.
Protein change: p.Glu8399del; deletes glutamic acid 8399.
Molecular consequence: inframe deletion.
Genome position (GRCh38, 1-based): chr6:152,141,252-152,141,254, CTC deleted on the plus strand (GAG on the coding strand, the reverse complement: SYNE1 is on the minus strand); deleting any 3 consecutive bases within chr6:152,141,252-152,141,257 gives the same sequence; the position shown is the placement nearest the transcript's 3' end. VCF-style (leftmost placement, unchanged base first): chr6-152141251-TCTC-T. GRCh37 (hg19) VCF-style: chr6-152462386-TCTC-T.
Other names: c.1798GAG[1], p.Glu601del (NM_001347701.2); c.1726GAG[1], p.Glu577del (NM_001347702.2); c.25048GAG[1], p.Glu8351del (NM_033071.5); short protein forms E577del, E601del, E8351del, E8399del.
Identifiers: ClinVar variation 2197292 (VCV002197292.4), dbSNP rs2058487534, ClinGen allele CA1673207650.
Genomic context (GRCh38, chr6:152,141,251, plus strand): 5'-CTACGCACTCACCAGCCGTTTGGGTTTCGGTACTATGCAGGTTAACAAAGCCAGGAAGGC[TCTC>T]CTCTTCCTCCTTCAGTTTGTGCTCCAGTCTCTTCACGGAGTCTATACTGCTACTGCATTC-3'

ClinVar aggregate classification (germline): Uncertain significance (1 of 4 stars; one submission).

Conditions:
Emery-Dreifuss muscular dystrophy 4, autosomal dominant (EDMD4). Also called: EMERY-DREIFUSS MUSCULAR DYSTROPHY 4 WITH VARIABLE FEATURES. Identifiers: Orphanet 261, MedGen C2751807, MONDO:0013071, OMIM 612998.
Autosomal recessive ataxia, Beauce type. Also called: Spinocerebellar ataxia, autosomal recessive 8; ATAXIA, RECESSIVE, OF BEAUCE; SYNE1-Related Autosomal Recessive Cerebellar Ataxia; SYNE1 Deficiency. Identifiers: Orphanet 88644, MedGen C1853116, MONDO:0012549, OMIM 610743.

Submission:

Labcorp Genetics (formerly Invitae), Labcorp
Classification: Uncertain significance for Emery-Dreifuss muscular dystrophy 4, autosomal dominant; Autosomal recessive ataxia, Beauce type. Last evaluated: 2022-04-21. Review status: criteria provided, single submitter. Criteria: Invitae Variant Classification Sherloc (09022015). Collection method: clinical testing. Allele origin: germline.
Comment: In summary, the available evidence is currently insufficient to determine the role of this variant in disease. Therefore, it has been classified as a Variant of Uncertain Significance. Experimental studies and prediction algorithms are not available or were not evaluated, and the functional significance of this variant is currently unknown. This variant has not been reported in the literature in individuals affected with SYNE1-related conditions. This variant is not present in population databases (gnomAD no frequency). This variant, c.25051_25053del, results in the deletion of 1 amino acid(s) of the SYNE1 protein (p.Glu8351del), but otherwise preserves the integrity of the reading frame.